The following is an entry in ClinVar:

NM_032043.3(BRIP1):c.3102C>T (p.Pro1034=)

Gene: BRIP1 (BRCA1 interacting DNA helicase 1; minus strand). Cytogenetic location: 17q23.2.
Variant type: single nucleotide variant.
Coding change: c.3102C>T on transcript NM_032043.3 (MANE Select); coding-DNA position 3102, C replaced by T.
Protein change: p.Pro1034=; no amino-acid change (proline 1034 retained).
Molecular consequence: synonymous variant.
Genome position (GRCh38, 1-based): chr17:61,683,944, G>A on the plus strand (C>T on the coding strand, the complement: BRIP1 is on the minus strand). VCF-style: chr17-61683944-G-A. GRCh37 (hg19) VCF-style: chr17-59761305-G-A.
Identifiers: ClinVar variation 1618526 (VCV001618526.12), dbSNP rs2144088075, ClinGen allele CA501335430.
Genomic context (GRCh38, chr17:61,683,944, plus strand): 5'-TTCACATTTATCAGTGAAGGGCAAAACAGTTTTACTTTCCATCTTCTCTGTTTTGAAACG[G>A]GGAGGACTAGAGGCACTATTCTCTGATGACCCGAGCTCAGGTGTTGCCTTCGGTATTTTA-3'
Protein context (NP_114432.2, residues 1024-1044): GSSENSASSP[Pro1034=]RFKTEKMESK

ClinVar aggregate classification (germline): Benign/Likely benign. Review status: criteria provided, multiple submitters, no conflicts (2 of 4 stars). 3 submissions from 3 submitters: Benign (1); Likely benign (2). Last evaluated 2024-09-09.

Conditions:
Hereditary cancer-predisposing syndrome. Also called: Neoplastic Syndromes, Hereditary; Hereditary neoplastic syndrome; Tumor predisposition; Hereditary Cancer Syndrome. Identifiers: Orphanet 140162, MedGen C0027672, MeSH D009386, MONDO:0015356.
Familial cancer of breast. Also called: BREAST CANCER, FAMILIAL; Hereditary breast cancer; hereditary breast carcinoma. Identifiers: Orphanet 227535, MedGen C0346153, MONDO:0016419, OMIM 114480. Disease mechanism: loss of function.
Fanconi anemia complementation group J. Also called: BRIP1-Related Fanconi Anemia. Identifiers: Orphanet 84, MedGen C1836860, MONDO:0012187, OMIM 609054.

Submissions (3):

Myriad Genetics, Inc.
Classification: Benign for Familial cancer of breast. Last evaluated: 2024-09-09. Review status: criteria provided, single submitter. Criteria: Myriad Autosomal Dominant, Autosomal Recessive and X-Linked Classification Criteria (2023). Collection method: clinical testing. Allele origin: unknown.
Comment: This variant is considered benign. This variant is a silent/synonymous amino acid change and it is not expected to impact splicing.

Labcorp Genetics (formerly Invitae), Labcorp
Classification: Likely benign for Familial cancer of breast; Fanconi anemia complementation group J. Last evaluated: 2022-09-22. Review status: criteria provided, single submitter. Criteria: Invitae Variant Classification Sherloc (09022015). Collection method: clinical testing. Allele origin: germline.

Ambry Genetics
Classification: Likely benign for Hereditary cancer-predisposing syndrome. Last evaluated: 2020-06-03. Review status: criteria provided, single submitter. Criteria: Ambry Variant Classification Scheme 2023. Collection method: clinical testing. Allele origin: germline.